The following is an entry in ClinVar:

NM_000321.3(RB1):c.2663+2T>C

Gene: RB1 (RB transcriptional corepressor 1; plus strand). Cytogenetic location: 13q14.2.
Variant type: single nucleotide variant.
Coding change: c.2663+2T>C on transcript NM_000321.3 (MANE Select); the canonical splice donor site of the intron after coding-DNA position 2663, T replaced by C.
Molecular consequence: splice donor variant.
Genome position (GRCh38, 1-based): chr13:48,476,845, T>C. VCF-style: chr13-48476845-T-C. GRCh37 (hg19) VCF-style: chr13-49050981-T-C.
Other names: L11910:g.173851T>C; NC_000013.10:g.49050981T>C; c.2663+2T>C (NM_001407165.1); c.113+2T>C (NM_001407168.1).
Identifiers: ClinVar variation 126807 (VCV000126807.6), dbSNP rs587778839, ClinGen allele CA026445.

ClinVar aggregate classification (germline): Pathogenic/Likely pathogenic. Review status: criteria provided, multiple submitters, no conflicts (2 of 4 stars). 3 submissions from 3 submitters: Pathogenic (1); Likely pathogenic (1). 1 of the submissions does not count toward it. Last evaluated 2026-02-11.

Conditions:
Hereditary cancer-predisposing syndrome. Also called: Neoplastic Syndromes, Hereditary; Hereditary neoplastic syndrome; Tumor predisposition; Hereditary Cancer Syndrome. Identifiers: Orphanet 140162, MedGen C0027672, MeSH D009386, MONDO:0015356.
Retinoblastoma (RB1). Also called: RETINOBLASTOMA, SOMATIC. Identifiers: Orphanet 790, MedGen C0035335, MeSH D012175, MONDO:0008380, OMIM 180200, HP:0009919. Disease mechanism: loss of function. Inheritance: Both sporadic and heritable forms are tested..

Submissions (4):

Ambry Genetics
Classification: Likely pathogenic for Hereditary cancer-predisposing syndrome. Last evaluated: 2026-02-11. Review status: criteria provided, single submitter. Criteria: Ambry Variant Classification Scheme 2023. Collection method: clinical testing. Allele origin: germline.
Comment: The c.2663+2T>C intronic variant results from a T to C substitution two nucleotides after coding exon 25 in the RB1 gene. This variant was reported in individuals with features consistent with RB1-related retinoblastoma (Imperatore V et al. Eur J Hum Genet, 2018 Jul;26:1026-1037; Byrjalsen A et al. PLoS Genet, 2020 Dec;16:e1009231). This variant is considered to be rare based on population cohorts in the Genome Aggregation Database (gnomAD). This nucleotide position is highly conserved in available vertebrate species. Variants that disrupt the canonical splice site are expected to cause aberrant splicing, resulting in an abnormal protein or a transcript that is subject to nonsense-mediated mRNA decay; however, +2T>C variants are capable of generating wild-type transcripts in some genomic contexts and should be interpreted with caution (Lin JH et al. Hum Mutat. 2019 10;40:1856-1873). In silico splice site analysis predicts that this alteration will weaken the native splice donor site. RNA studies have demonstrated that this variant results in abnormal splicing in the set of samples tested (Imperatore V et al. Eur J Hum Genet, 2018 Jul;26:1026-1037; Ambry internal data). Based on the majority of available evidence to date, this variant is likely to be pathogenic.

Institute for Clinical Genetics, University Hospital TU Dresden, University Hospital TU Dresden
Classification: Pathogenic. Last evaluated: 2021-11-03. Review status: criteria provided, single submitter. Criteria: ACMG Guidelines, 2015. Collection method: clinical testing. Allele origin: germline.

Genetic Diagnostic Laboratory, University of Pennsylvania School of Medicine
Classification: Pathogenic for Retinoblastoma. Last evaluated: 2013-09-16. Review status: no assertion criteria provided. Collection method: research. Allele origin: somatic. Affected: yes. Not counted in ClinVar's aggregate classification.

Dr. Peter K. Rogan Lab, Western University
No classification provided (evidence only). Condition: Malignant tumor of urinary bladder. Review status: no classification provided. Collection method: in vitro. Allele origin: not applicable. Functional consequence: skipped exon. Not counted in ClinVar's aggregate classification.

Literature cited by the submitters: PubMed 29662154 (cited by Ambry Genetics); PubMed 33332384 (cited by Ambry Genetics).